The following is an entry in ClinVar:

ClinVar aggregate classification (germline): Uncertain significance (1 of 4 stars; one submission).

Conditions:
Baller-Gerold syndrome (BGS). Also called: CRANIOSYNOSTOSIS WITH RADIAL DEFECTS. Identifiers: Orphanet 1225, MedGen C0265308, MONDO:0009039, OMIM 218600.

Submission:

Labcorp Genetics (formerly Invitae), Labcorp
Classification: Uncertain significance for Baller-Gerold syndrome. Last evaluated: 2025-05-05. Review status: criteria provided, single submitter. Criteria: Invitae Variant Classification Sherloc (09022015). Collection method: clinical testing. Allele origin: germline.
Comment: This sequence change affects codon 693 of the RECQL4 mRNA. It is a 'silent' change, meaning that it does not change the encoded amino acid sequence of the RECQL4 protein. This variant is not present in population databases (gnomAD no frequency). This variant has not been reported in the literature in individuals affected with RECQL4-related conditions. ClinVar contains an entry for this variant (Variation ID: 2712737). Algorithms developed to predict the effect of sequence changes on RNA splicing suggest that this variant may disrupt the consensus splice site. In summary, the available evidence is currently insufficient to determine the role of this variant in disease. Therefore, it has been classified as a Variant of Uncertain Significance.

NM_004260.4(RECQL4):c.2079A>G (p.Gln693=)

Gene: RECQL4 (RecQ like helicase 4; minus strand). Cytogenetic location: 8q24.3.
Variant type: single nucleotide variant.
Coding change: c.2079A>G on transcript NM_004260.4 (MANE Select); coding-DNA position 2079, A replaced by G.
Protein change: p.Gln693=; no amino-acid change (glutamine 693 retained).
Molecular consequence: synonymous variant. On other transcripts: non-coding transcript variant (2).
Genome position (GRCh38, 1-based): chr8:144,513,692, T>C on the plus strand (A>G on the coding strand, the complement: RECQL4 is on the minus strand). VCF-style: chr8-144513692-T-C. GRCh37 (hg19) VCF-style: chr8-145739076-T-C.
Other names: c.1947A>G, p.Gln649= (NM_001413033.1); c.1008A>G, p.Gln336= (NM_001413034.1, NM_001413035.1, NM_001413038.1 and 6 more transcripts); c.2079A>G, p.Gln693= (NM_001413036.1, NM_001413018.1, NM_001413019.1); c.876A>G, p.Gln292= (NM_001413037.1); c.2049A>G, p.Gln683= (NM_001413039.1); c.942A>G, p.Gln314= (NM_001413041.1, NM_001413027.1, NM_001413030.1 and 1 more transcripts); c.978A>G, p.Gln326= (NM_001413042.1); c.612A>G, p.Gln204= (NM_001413043.1); and 4 more.
Identifiers: ClinVar variation 2712737 (VCV002712737.3), dbSNP rs2538020225, ClinGen allele CA463566999.